The following is an entry in ClinVar:

ClinVar aggregate classification (germline): Uncertain significance (1 of 4 stars; one submission).

Conditions:
Hereditary cancer-predisposing syndrome. Also called: Tumor predisposition; Hereditary Cancer Syndrome; Hereditary neoplastic syndrome; Neoplastic Syndromes, Hereditary. Identifiers: Orphanet 140162, MedGen C0027672, MeSH D009386, MONDO:0015356.

Submission:

Ambry Genetics
Classification: Uncertain significance for Hereditary cancer-predisposing syndrome. Last evaluated: 2024-05-08. Review status: criteria provided, single submitter. Criteria: Ambry Variant Classification Scheme 2023. Collection method: clinical testing. Allele origin: germline.
Comment: The p.S1495A variant (also known as c.4483T>G), located in coding exon 22 of the DICER1 gene, results from a T to G substitution at nucleotide position 4483. The serine at codon 1495 is replaced by alanine, an amino acid with similar properties. This amino acid position is conserved. In addition, this alteration is predicted to be tolerated by in silico analysis. Based on the available evidence, the clinical significance of this variant remains unclear.

NM_177438.3(DICER1):c.4483T>G (p.Ser1495Ala)

Gene: DICER1 (dicer 1, ribonuclease III; minus strand). Cytogenetic location: 14q32.13.
Variant type: single nucleotide variant.
Coding change: c.4483T>G on transcript NM_177438.3 (MANE Select); coding-DNA position 4483, T replaced by G.
Protein change: p.Ser1495Ala; replaces serine 1495 with alanine.
Molecular consequence: missense variant. On other transcripts: non-coding transcript variant (6).
Genome position (GRCh38, 1-based): chr14:95,096,437, A>C on the plus strand (T>G on the coding strand, the complement: DICER1 is on the minus strand). VCF-style: chr14-95096437-A-C. GRCh37 (hg19) VCF-style: chr14-95562774-A-C.
Other names: c.4483T>G, p.Ser1495Ala (NM_001195573.1, NM_001271282.3, NM_001291628.2 and 12 more transcripts); c.4201T>G, p.Ser1401Ala (NM_001395686.1); c.4078T>G, p.Ser1360Ala (NM_001395687.1, NM_001395688.1, NM_001395689.1 and 2 more transcripts); c.3916T>G, p.Ser1306Ala (NM_001395691.1); c.2800T>G, p.Ser934Ala (NM_001395697.1); short protein forms S1401A, S1306A, S1360A, S934A, S1495A.
Identifiers: ClinVar variation 3272020 (VCV003272020.1).